The following is an entry in ClinVar:

NM_001360.3(DHCR7):c.131T>C (p.Ile44Thr)

Gene: DHCR7 (7-dehydrocholesterol reductase; minus strand). Cytogenetic location: 11q13.4.
Variant type: single nucleotide variant.
Coding change: c.131T>C on transcript NM_001360.3 (MANE Select); coding-DNA position 131, T replaced by C.
Protein change: p.Ile44Thr; replaces isoleucine 44 with threonine.
Molecular consequence: missense variant.
Genome position (GRCh38, 1-based): chr11:71,444,183, A>G on the plus strand (T>C on the coding strand, the complement: DHCR7 is on the minus strand). VCF-style: chr11-71444183-A-G. GRCh37 (hg19) VCF-style: chr11-71155229-A-G.
Other names: c.131T>C, p.Ile44Thr (NM_001163817.2); short protein forms I44T.
Identifiers: ClinVar variation 288193 (VCV000288193.14), dbSNP rs142897396, ClinGen allele CA6162682.

ClinVar aggregate classification (germline): Uncertain significance. Review status: criteria provided, multiple submitters, no conflicts (2 of 4 stars). 6 submissions from 6 submitters: Uncertain significance (5). 1 of the submissions does not count toward it. Last evaluated 2026-03-17.

Conditions:
Inborn genetic diseases. Identifiers: MedGen C0950123, MeSH D030342.
Smith-Lemli-Opitz syndrome (SLOS). Also called: 7-Dehydrocholesterol reductase deficiency; LETHAL ACRODYSGENITAL SYNDROME; POLYDACTYLY, SEX REVERSAL, RENAL HYPOPLASIA, AND UNILOBAR LUNG; RSH SYNDROME; RUTLEDGE LETHAL MULTIPLE CONGENITAL ANOMALY SYNDROME. Identifiers: Orphanet 818, MedGen C0175694, MONDO:0010035, OMIM 270400.

Allele frequency attached by ClinVar (database versions not stated): gnomAD 0.00017 and 0.00019; TOPMed 0.00022; ESP Exome Variant Server 0.00038; ExAC 0.00006; gnomAD exomes 0.00002.

Submissions (6):

Ambry Genetics
Classification: Uncertain significance for Inborn genetic diseases. Last evaluated: 2026-03-17. Review status: criteria provided, single submitter. Criteria: Ambry Variant Classification Scheme 2023. Collection method: clinical testing. Allele origin: germline.
Comment: The c.131T>C (p.I44T) alteration is located in exon 4 (coding exon 2) of the DHCR7 gene. This alteration results from a T to C substitution at nucleotide position 131, causing the isoleucine (I) at amino acid position 44 to be replaced by a threonine (T). Based on data from gnomAD, the C allele has an overall frequency of 0.003% (9/262016) total alleles studied. The highest observed frequency was 0.035% (8/22980) of African alleles. This amino acid position is not well conserved in available vertebrate species. The in silico prediction for this alteration is inconclusive. Based on insufficient or conflicting evidence, the clinical significance of this alteration remains unclear.

GeneDx
Classification: Uncertain significance. Last evaluated: 2025-06-18. Review status: criteria provided, single submitter. Criteria: GeneDx Variant Classification Process June 2021. Collection method: clinical testing. Allele origin: germline. Affected: yes.
Comment: Has not been previously published as pathogenic or benign to our knowledge; In silico analysis supports that this missense variant has a deleterious effect on protein structure/function

Fulgent Genetics
Classification: Uncertain significance for Smith-Lemli-Opitz syndrome. Last evaluated: 2024-02-01. Review status: criteria provided, single submitter. Criteria: ACMG Guidelines, 2015. Collection method: clinical testing. Allele origin: germline.

Labcorp Genetics (formerly Invitae), Labcorp
Classification: Uncertain significance for Smith-Lemli-Opitz syndrome. Last evaluated: 2022-08-21. Review status: criteria provided, single submitter. Criteria: Invitae Variant Classification Sherloc (09022015). Collection method: clinical testing. Allele origin: germline.
Comment: This sequence change replaces isoleucine, which is neutral and non-polar, with threonine, which is neutral and polar, at codon 44 of the DHCR7 protein (p.Ile44Thr). This variant is present in population databases (rs142897396, gnomAD 0.04%). This variant has not been reported in the literature in individuals affected with DHCR7-related conditions. ClinVar contains an entry for this variant (Variation ID: 288193). Algorithms developed to predict the effect of missense changes on protein structure and function output the following: SIFT: "Deleterious"; PolyPhen-2: "Benign"; Align-GVGD: "Class C65". The threonine amino acid residue is found in multiple mammalian species, which suggests that this missense change does not adversely affect protein function. In summary, the available evidence is currently insufficient to determine the role of this variant in disease. Therefore, it has been classified as a Variant of Uncertain Significance.

Eurofins Ntd Llc (ga)
Classification: Uncertain significance. Last evaluated: 2017-11-05. Review status: criteria provided, single submitter. Criteria: EGL Classification Definitions 2015. Collection method: clinical testing. Allele origin: germline. Observed: 4 variant alleles, 4 heterozygotes.

Natera, Inc.
Classification: Uncertain significance for Smith-Lemli-Opitz syndrome. Last evaluated: 2018-05-11. Review status: no assertion criteria provided. Collection method: clinical testing. Allele origin: germline. Not counted in ClinVar's aggregate classification.